The following is an entry in ClinVar:

NM_002336.3(LRP6):c.4568G>A (p.Arg1523Gln)

Gene: LRP6 (LDL receptor related protein 6; minus strand). Cytogenetic location: 12p13.2.
Variant type: single nucleotide variant.
Coding change: c.4568G>A on transcript NM_002336.3 (MANE Select); coding-DNA position 4568, G replaced by A.
Protein change: p.Arg1523Gln; replaces arginine 1523 with glutamine.
Molecular consequence: missense variant. On other transcripts: 3 prime UTR variant (1), non-coding transcript variant (1).
Genome position (GRCh38, 1-based): chr12:12,121,400, C>T on the plus strand (G>A on the coding strand, the complement: LRP6 is on the minus strand). VCF-style: chr12-12121400-C-T. GRCh37 (hg19) VCF-style: chr12-12274334-C-T.
Other names: c.4661G>A, p.Arg1554Gln (NM_001414244.1); c.4568G>A, p.Arg1523Gln (NM_001414245.1); c.4433G>A, p.Arg1478Gln (NM_001414246.1); c.4370G>A, p.Arg1457Gln (NM_001414247.1); c.*44G>A (NM_001414248.1); c.4205G>A, p.Arg1402Gln (NM_001414251.1); c.4115G>A, p.Arg1372Gln (NM_001414252.1, NM_001414253.1, NM_001414254.1); c.4061G>A, p.Arg1354Gln (NM_001414255.1); and 1 more; short protein forms R1402Q, R1457Q, R1554Q, R1354Q, R1372Q, R1478Q, R1523Q.
Identifiers: ClinVar variation 2725504 (VCV002725504.4), dbSNP rs200649441, ClinGen allele CA6454897.

ClinVar aggregate classification (germline): Uncertain significance. Review status: criteria provided, multiple submitters, no conflicts (2 of 4 stars). 2 submissions from 2 submitters: Uncertain significance (2). Last evaluated 2025-08-04.

Conditions:
Inborn genetic diseases. Identifiers: MedGen C0950123, MeSH D030342.

Allele frequency attached by ClinVar (database versions not stated): TOPMed 0.00003; gnomAD 0.00006; ExAC 0.00007; gnomAD exomes 0.00007; 1000 Genomes Project 30x 0.00031; 1000 Genomes Project 0.00040.
gnomAD v4.1: 116 of 1,613,676 alleles (0.0072%); highest among the groups gnomAD compares: East Asian, 0.21%; 1 homozygote.

Submissions (2):

Ambry Genetics
Classification: Uncertain significance for Inborn genetic diseases. Last evaluated: 2025-08-04. Review status: criteria provided, single submitter. Criteria: Ambry Variant Classification Scheme 2023. Collection method: clinical testing. Allele origin: germline.

Labcorp Genetics (formerly Invitae), Labcorp
Classification: Uncertain significance. Last evaluated: 2025-01-19. Review status: criteria provided, single submitter. Criteria: Invitae Variant Classification Sherloc (09022015). Collection method: clinical testing. Allele origin: germline.
Comment: This sequence change replaces arginine, which is basic and polar, with glutamine, which is neutral and polar, at codon 1523 of the LRP6 protein (p.Arg1523Gln). This variant is present in population databases (rs200649441, gnomAD 0.03%). This variant has not been reported in the literature in individuals affected with LRP6-related conditions. ClinVar contains an entry for this variant (Variation ID: 2725504). Invitae Evidence Modeling of protein sequence and biophysical properties (such as structural, functional, and spatial information, amino acid conservation, physicochemical variation, residue mobility, and thermodynamic stability) indicates that this missense variant is not expected to disrupt LRP6 protein function with a negative predictive value of 80%. In summary, the available evidence is currently insufficient to determine the role of this variant in disease. Therefore, it has been classified as a Variant of Uncertain Significance.